The following is an entry in ClinVar:

ClinVar aggregate classification (germline): Uncertain significance (1 of 4 stars; one submission).

gnomAD v4.1: 1 of 1,590,006 alleles (0.000063%); no homozygotes.

Submission:

Labcorp Genetics (formerly Invitae), Labcorp
Classification: Uncertain significance. Last evaluated: 2025-08-11. Review status: criteria provided, single submitter. Criteria: Invitae Variant Classification Sherloc (09022015). Collection method: clinical testing. Allele origin: germline.
Comment: This sequence change affects codon 1294 of the ALPK3 mRNA. It is a 'silent' change, meaning that it does not change the encoded amino acid sequence of the ALPK3 protein. This variant is not present in population databases (gnomAD no frequency). This variant has not been reported in the literature in individuals affected with ALPK3-related conditions. ClinVar contains an entry for this variant (Variation ID: 3723069). Algorithms developed to predict the effect of sequence changes on RNA splicing suggest that this variant may create or strengthen a splice site. In summary, the available evidence is currently insufficient to determine the role of this variant in disease. Therefore, it has been classified as a Variant of Uncertain Significance.

NM_020778.5(ALPK3):c.3276A>G (p.Glu1092=)

Gene: ALPK3 (alpha kinase 3; plus strand). Cytogenetic location: 15q25.3.
Variant type: single nucleotide variant.
Coding change: c.3276A>G on transcript NM_020778.5 (MANE Select); coding-DNA position 3276, A replaced by G.
Protein change: p.Glu1092=; no amino-acid change (glutamic acid 1092 retained).
Molecular consequence: synonymous variant.
Genome position (GRCh38, 1-based): chr15:84,858,014, A>G. VCF-style: chr15-84858014-A-G. GRCh37 (hg19) VCF-style: chr15-85401245-A-G.
Identifiers: ClinVar variation 3723069 (VCV003723069.2).